The following is an entry in ClinVar:

ClinVar aggregate classification (germline): Pathogenic (1 of 4 stars; one submission).

Conditions:
Lynch syndrome 5 (LYNCH5). Also called: Colorectal cancer, hereditary nonpolyposis, type 5; Hereditary non-polyposis colorectal cancer, type 5. Identifiers: Orphanet 144, MedGen C1833477, MONDO:0013710, OMIM 614350. Disease mechanism: loss of function.

Submission:

Myriad Genetics, Inc.
Classification: Pathogenic for Lynch syndrome 5. Last evaluated: 2024-11-13. Review status: criteria provided, single submitter. Criteria: Myriad Autosomal Dominant, Autosomal Recessive and X-Linked Classification Criteria (2023). Collection method: clinical testing. Allele origin: unknown.
Comment: This variant is considered pathogenic. This variant creates a termination codon and is predicted to result in premature protein truncation.

NM_000179.3(MSH6):c.796A>T (p.Lys266Ter)

Gene: MSH6 (mutS homolog 6; plus strand). Cytogenetic location: 2p16.3.
Variant type: single nucleotide variant.
Coding change: c.796A>T on transcript NM_000179.3 (MANE Select); coding-DNA position 796, A replaced by T.
Protein change: p.Lys266Ter; replaces lysine 266 with a stop codon.
Molecular consequence: nonsense. On other transcripts: non-coding transcript variant (4), intron variant (1), 5 prime UTR variant (9).
Genome position (GRCh38, 1-based): chr2:47,798,779, A>T. VCF-style: chr2-47798779-A-T. GRCh37 (hg19) VCF-style: chr2-48025918-A-T.
Other names: c.628-1887A>T (NM_001407362.1); c.406A>T, p.Lys136Ter (NM_001281492.2); c.-111A>T (NM_001281493.2, NM_001281494.2, NM_001406811.1 and 6 more transcripts); c.892A>T, p.Lys298Ter (NM_001406795.1, NM_001406802.1); c.796A>T, p.Lys266Ter (NM_001406796.1, NM_001406798.1, NM_001406800.1 and 4 more transcripts); c.499A>T, p.Lys167Ter (NM_001406797.1, NM_001406801.1, NM_001406805.1 and 10 more transcripts); c.271A>T, p.Lys91Ter (NM_001406799.1, NM_001406806.1, NM_001406807.1); c.718A>T, p.Lys240Ter (NM_001406804.1); and 2 more; short protein forms K136*, K167*, K210*, K240*, K266*, K268*, K298*, K91*.
Identifiers: ClinVar variation 3773523 (VCV003773523.1).